The following is an entry in ClinVar:

NM_004329.3(BMPR1A):c.98C>T (p.Thr33Ile)

Gene: BMPR1A (bone morphogenetic protein receptor type 1A; plus strand). Cytogenetic location: 10q23.2.
Variant type: single nucleotide variant.
Coding change: c.98C>T on transcript NM_004329.3 (MANE Select); coding-DNA position 98, C replaced by T.
Protein change: p.Thr33Ile; replaces threonine 33 with isoleucine.
Molecular consequence: missense variant. On other transcripts: non-coding transcript variant (3).
Genome position (GRCh38, 1-based): chr10:86,890,092, C>T. VCF-style: chr10-86890092-C-T. GRCh37 (hg19) VCF-style: chr10-88649849-C-T.
Other names: c.98C>T, p.Thr33Ile (NM_001406569.1, NM_001406570.1, NM_001406571.1 and 23 more transcripts); c.14C>T, p.Thr5Ile (NM_001406584.1, NM_001406585.1, NM_001406586.1 and 2 more transcripts); short protein forms T5I, T33I.
Identifiers: ClinVar variation 2715331 (VCV002715331.4), dbSNP rs142454490, ClinGen allele CA377446356.

ClinVar aggregate classification (germline): Uncertain significance. Review status: criteria provided, multiple submitters, no conflicts (2 of 4 stars). 2 submissions from 2 submitters: Uncertain significance (2). Last evaluated 2024-09-15.

Conditions:
Juvenile polyposis syndrome (JPS). Identifiers: Orphanet 2929, MedGen C0345893, MONDO:0017380, OMIM 174900.
Hereditary cancer-predisposing syndrome. Also called: Hereditary neoplastic syndrome; Neoplastic Syndromes, Hereditary; Hereditary Cancer Syndrome; Tumor predisposition. Identifiers: Orphanet 140162, MedGen C0027672, MeSH D009386, MONDO:0015356.

Submissions (2):

Molecular Diagnostics Laboratory, Catalan Institute of Oncology
Classification: Uncertain significance for Hereditary cancer-predisposing syndrome. Last evaluated: 2024-09-15. Review status: criteria provided, single submitter. Criteria: ACMG Guidelines, 2015. Collection method: clinical testing. Allele origin: germline.
Comment: PM2_Supporting c.98C>T, located in exon 4 of the BMPR1A gene, is predicted to result in the substitution of threonine by isoleucine at codon 33, p.(Thr33Ile). It is not present in the population database gnomAD v2.1.1, non-cancer dataset (PM2_supporting). To our knowledge, neither relevant clinical data nor well-established functional studies have been reported for this variant. This variant has only been reported once in ClinVar as an uncertain significance variant, it has not been identified in LOVD. Based on currently available information, the variant c.98C>T should be considered an uncertain significance variant.

Labcorp Genetics (formerly Invitae), Labcorp
Classification: Uncertain significance for Juvenile polyposis syndrome. Last evaluated: 2023-06-14. Review status: criteria provided, single submitter. Criteria: Invitae Variant Classification Sherloc (09022015). Collection method: clinical testing. Allele origin: germline.
Comment: In summary, the available evidence is currently insufficient to determine the role of this variant in disease. Therefore, it has been classified as a Variant of Uncertain Significance. Advanced modeling of protein sequence and biophysical properties (such as structural, functional, and spatial information, amino acid conservation, physicochemical variation, residue mobility, and thermodynamic stability) performed at Invitae indicates that this missense variant is not expected to disrupt BMPR1A protein function. This variant has not been reported in the literature in individuals affected with BMPR1A-related conditions. This variant is not present in population databases (gnomAD no frequency). This sequence change replaces threonine, which is neutral and polar, with isoleucine, which is neutral and non-polar, at codon 33 of the BMPR1A protein (p.Thr33Ile).